The following is an entry in ClinVar:

NM_003738.5(PTCH2):c.2050C>T (p.His684Tyr)

Gene: PTCH2 (patched 2; minus strand). Cytogenetic location: 1p34.1.
Variant type: single nucleotide variant.
Coding change: c.2050C>T on transcript NM_003738.5 (MANE Select); coding-DNA position 2050, C replaced by T.
Protein change: p.His684Tyr; replaces histidine 684 with tyrosine.
Molecular consequence: missense variant.
Genome position (GRCh38, 1-based): chr1:44,827,851, G>A on the plus strand (C>T on the coding strand, the complement: PTCH2 is on the minus strand). VCF-style: chr1-44827851-G-A. GRCh37 (hg19) VCF-style: chr1-45293523-G-A.
Other names: c.2050C>T, p.His684Tyr (NM_001166292.2); short protein forms H684Y.
Identifiers: ClinVar variation 3641846 (VCV003641846.2).

ClinVar aggregate classification (germline): Uncertain significance (1 of 4 stars; one submission).

Conditions:
Gorlin syndrome. Also called: Nevoid Basal Cell Carcinoma Syndrome; Basal cell nevus syndrome. Identifiers: Orphanet 377, MedGen C0004779, MONDO:0007187.

gnomAD v4.1: 4 of 1,614,114 alleles (0.00025%); highest among the groups gnomAD compares: South Asian, 0.0033%; no homozygotes.

Submission:

Labcorp Genetics (formerly Invitae), Labcorp
Classification: Uncertain significance for Gorlin syndrome. Last evaluated: 2024-09-04. Review status: criteria provided, single submitter. Criteria: Invitae Variant Classification Sherloc (09022015). Collection method: clinical testing. Allele origin: germline.
Comment: This sequence change replaces histidine, which is basic and polar, with tyrosine, which is neutral and polar, at codon 684 of the PTCH2 protein (p.His684Tyr). This variant is not present in population databases (gnomAD no frequency). This variant has not been reported in the literature in individuals affected with PTCH2-related conditions. Invitae Evidence Modeling of protein sequence and biophysical properties (such as structural, functional, and spatial information, amino acid conservation, physicochemical variation, residue mobility, and thermodynamic stability) indicates that this missense variant is not expected to disrupt PTCH2 protein function with a negative predictive value of 80%. In summary, the available evidence is currently insufficient to determine the role of this variant in disease. Therefore, it has been classified as a Variant of Uncertain Significance.